The following is an entry in ClinVar:

ClinVar aggregate classification (germline): Uncertain significance. Review status: criteria provided, multiple submitters, no conflicts (2 of 4 stars). 5 submissions from 4 submitters: Uncertain significance (5). Last evaluated 2024-11-04.

Conditions:
Hereditary cancer-predisposing syndrome. Also called: Neoplastic Syndromes, Hereditary; Hereditary Cancer Syndrome; Tumor predisposition; Hereditary neoplastic syndrome. Identifiers: Orphanet 140162, MedGen C0027672, MeSH D009386, MONDO:0015356.
Cardiovascular phenotype. Identifiers: MedGen CN230736.
Neurofibromatosis, type 1 (NF1). Also called: VON RECKLINGHAUSEN DISEASE; Peripheral type neurofibromatosis; NEUROFIBROMATOSIS, TYPE I, SOMATIC; Neurofibromatosis, type I. Identifiers: Orphanet 636, MedGen C0027831, MONDO:0018975, OMIM 162200. Disease mechanism: loss of function.

Submissions (5):

Labcorp Genetics (formerly Invitae), Labcorp
Classification: Uncertain significance for Neurofibromatosis, type 1. Last evaluated: 2024-11-04. Review status: criteria provided, single submitter. Criteria: Invitae Variant Classification Sherloc (09022015). Collection method: clinical testing. Allele origin: germline.
Comment: This sequence change replaces histidine, which is basic and polar, with tyrosine, which is neutral and polar, at codon 122 of the NF1 protein (p.His122Tyr). This variant is not present in population databases (gnomAD no frequency). This variant has not been reported in the literature in individuals affected with NF1-related conditions. ClinVar contains an entry for this variant (Variation ID: 141914). Invitae Evidence Modeling of protein sequence and biophysical properties (such as structural, functional, and spatial information, amino acid conservation, physicochemical variation, residue mobility, and thermodynamic stability) indicates that this missense variant is expected to disrupt NF1 protein function with a positive predictive value of 95%. In summary, the available evidence is currently insufficient to determine the role of this variant in disease. Therefore, it has been classified as a Variant of Uncertain Significance.

Genome-Nilou Lab
Classification: Uncertain significance for Neurofibromatosis, type 1. Last evaluated: 2022-03-15. Review status: criteria provided, single submitter. Criteria: ACMG Guidelines, 2015. Collection method: clinical testing. Allele origin: germline. Affected: no.

Blueprint Genetics
Classification: Uncertain significance. Last evaluated: 2021-09-09. Review status: criteria provided, single submitter. Criteria: ACMG Guidelines, 2015. Collection method: clinical testing. Allele origin: germline.

Ambry Genetics
Classification: Uncertain significance for Cardiovascular phenotype; Hereditary cancer-predisposing syndrome. Last evaluated: 2019-09-13. Review status: criteria provided, single submitter. Criteria: Ambry Variant Classification Scheme 2023. Collection method: clinical testing. Allele origin: germline.

Ambry Genetics
Classification: Uncertain significance for Hereditary cancer-predisposing syndrome. Last evaluated: 2014-01-15. Review status: criteria provided, single submitter. Criteria: Ambry Autosomal Dominant and X-Linked criteria (10/2015). Collection method: clinical testing. Allele origin: germline. Observed: 1 variant allele.
Comment: The p.H122Y variant (also known as c.364C>T), located in coding exon 4 of the NF1 gene, results from a C to T substitution at nucleotide position 364. The histidine at codon 122 is replaced by tyrosine, an amino acid with similar properties. This variant was not reported in population based cohorts in the following databases: Database of Single Nucleotide Polymorphisms (dbSNP), NHLBI Exome Sequencing Project (ESP), and 1000 Genomes Project.To date, this alteration has been detected with an allele frequency of approximately 0.66% (greater than 150 alleles tested) in our clinical cohort (includes this individual). Based on protein sequence alignment, thisamino acid position is highly conserved in available vertebrate species. In addition, this alteration is predicted to be possibly damaging but tolerated by PolyPhen and SIFT in silico analyses, respectively.Since supporting evidence is limited at this time, the clinical significance ofp.H122Yremains unclear.

NM_001042492.3(NF1):c.364C>T (p.His122Tyr)

Gene: NF1 (neurofibromin 1; plus strand). Cytogenetic location: 17q11.2.
Variant type: single nucleotide variant.
Coding change: c.364C>T on transcript NM_001042492.3 (MANE Select); coding-DNA position 364, C replaced by T.
Protein change: p.His122Tyr; replaces histidine 122 with tyrosine.
Molecular consequence: missense variant.
Genome position (GRCh38, 1-based): chr17:31,163,261, C>T. VCF-style: chr17-31163261-C-T. GRCh37 (hg19) VCF-style: chr17-29490279-C-T.
Other names: c.364C>T, p.His122Tyr (NM_000267.4, NM_001128147.3); short protein forms H122Y.
Identifiers: ClinVar variation 141914 (VCV000141914.13), dbSNP rs587782107, ClinGen allele CA166772.